The following is an entry in ClinVar:

NM_030662.4(MAP2K2):c.969C>G (p.Asp323Glu)

Gene: MAP2K2 (mitogen-activated protein kinase kinase 2; minus strand). Cytogenetic location: 19p13.3.
Variant type: single nucleotide variant.
Coding change: c.969C>G on transcript NM_030662.4 (MANE Select); coding-DNA position 969, C replaced by G.
Protein change: p.Asp323Glu; replaces aspartic acid 323 with glutamic acid.
Molecular consequence: missense variant.
Genome position (GRCh38, 1-based): chr19:4,097,294, G>C on the plus strand (C>G on the coding strand, the complement: MAP2K2 is on the minus strand). VCF-style: chr19-4097294-G-C. GRCh37 (hg19) VCF-style: chr19-4097292-G-C.
Other names: short protein forms D323E.
Identifiers: ClinVar variation 1334257 (VCV001334257.8), dbSNP rs768656734, ClinGen allele CA9090757.
Genomic context (GRCh38, chr19:4,097,294, plus strand): 5'-AAGAAAGAAAAGGAAAAGAAAAGCCAAAAGGCATCAAGCACAAACCTCGTTCACAATATA[G>C]TCCAGGAGTTCAAAGATGGCCATGGCAGGCCGGCTATCCATCCCGTGACCTGCACAGGGA-3'
Protein context (NP_109587.1, residues 313-333): RPAMAIFELL[Asp323Glu]YIVNEPPPKL

ClinVar aggregate classification (germline): Uncertain significance. Review status: criteria provided, multiple submitters, no conflicts (2 of 4 stars). 4 submissions from 4 submitters: Uncertain significance (4). Last evaluated 2026-02-01.

Conditions:
RASopathy. Also called: rasopathies; Noonan spectrum disorder. Identifiers: Orphanet 536391, MedGen C5555857, MONDO:0021060.
Noonan syndrome and Noonan-related syndrome. Identifiers: Orphanet 98733, MedGen C5681679, MONDO:0020297.
Cardiovascular phenotype. Identifiers: MedGen CN230736.
Cardiofaciocutaneous syndrome 4 (CFC4). Also called: MAP2K2-Related Cardiofaciocutaneous Syndrome. Identifiers: Orphanet 1340, MedGen C3809007, MONDO:0014114, OMIM 615280.

Allele frequency attached by ClinVar (database versions not stated): ExAC 0.00001; gnomAD exomes below 0.00001.
gnomAD v4.1: 3 of 1,607,570 alleles (0.00019%); highest among the groups gnomAD compares: Non-Finnish European, 0.00017%; no homozygotes.

Submissions (4):

Labcorp Genetics (formerly Invitae), Labcorp
Classification: Uncertain significance for RASopathy. Last evaluated: 2026-02-01. Review status: criteria provided, single submitter. Criteria: Invitae Variant Classification Sherloc (09022015). Collection method: clinical testing. Allele origin: germline.
Comment: This sequence change replaces aspartic acid, which is acidic and polar, with glutamic acid, which is acidic and polar, at codon 323 of the MAP2K2 protein (p.Asp323Glu). This variant is present in population databases (rs768656734, gnomAD 0.005%). This variant has not been reported in the literature in individuals affected with MAP2K2-related conditions. ClinVar contains an entry for this variant (Variation ID: 1334257). Invitae Evidence Modeling of protein sequence and biophysical properties (such as structural, functional, and spatial information, amino acid conservation, physicochemical variation, residue mobility, and thermodynamic stability) indicates that this missense variant is not expected to disrupt MAP2K2 protein function with a negative predictive value of 95%. In summary, the available evidence is currently insufficient to determine the role of this variant in disease. Therefore, it has been classified as a Variant of Uncertain Significance.

Fulgent Genetics
Classification: Uncertain significance for Cardiofaciocutaneous syndrome 4. Last evaluated: 2022-01-13. Review status: criteria provided, single submitter. Criteria: ACMG Guidelines, 2015. Collection method: clinical testing. Allele origin: unknown.

Ambry Genetics
Classification: Uncertain significance for Cardiovascular phenotype. Last evaluated: 2021-06-22. Review status: criteria provided, single submitter. Criteria: Ambry Variant Classification Scheme 2023. Collection method: clinical testing. Allele origin: germline.
Comment: The p.D323E variant (also known as c.969C>G), located in coding exon 8 of the MAP2K2 gene, results from a C to G substitution at nucleotide position 969. The aspartic acid at codon 323 is replaced by glutamic acid, an amino acid with highly similar properties. This amino acid position is conserved. In addition, the in silico prediction for this alteration is inconclusive. Since supporting evidence is limited at this time, the clinical significance of this alteration remains unclear.

Genome Diagnostics Laboratory, The Hospital for Sick Children
Classification: Uncertain significance for Noonan syndrome and Noonan-related syndrome. Last evaluated: 2020-01-01. Review status: criteria provided, single submitter. Criteria: ACMG Guidelines, 2015. Collection method: clinical testing. Allele origin: germline.